The following is an entry in ClinVar:

ClinVar aggregate classification (germline): Uncertain significance. Review status: criteria provided, multiple submitters, no conflicts (2 of 4 stars). 2 submissions from 2 submitters: Uncertain significance (2). Last evaluated 2025-02-22.

Allele frequency attached by ClinVar (database versions not stated): TOPMed below 0.00001; gnomAD exomes 0.00002.
gnomAD v4.1: 23 of 1,614,100 alleles (0.0014%); highest among the groups gnomAD compares: Non-Finnish European, 0.0019%; no homozygotes.

Submissions (2):

Labcorp Genetics (formerly Invitae), Labcorp
Classification: Uncertain significance. Last evaluated: 2025-02-22. Review status: criteria provided, single submitter. Criteria: Invitae Variant Classification Sherloc (09022015). Collection method: clinical testing. Allele origin: germline.
Comment: This sequence change replaces glycine, which is neutral and non-polar, with glutamic acid, which is acidic and polar, at codon 1472 of the COL2A1 protein (p.Gly1472Glu). This variant is not present in population databases (gnomAD no frequency). This variant has not been reported in the literature in individuals affected with COL2A1-related conditions. ClinVar contains an entry for this variant (Variation ID: 1485084). Invitae Evidence Modeling of protein sequence and biophysical properties (such as structural, functional, and spatial information, amino acid conservation, physicochemical variation, residue mobility, and thermodynamic stability) indicates that this missense variant is not expected to disrupt COL2A1 protein function with a negative predictive value of 95%. In summary, the available evidence is currently insufficient to determine the role of this variant in disease. Therefore, it has been classified as a Variant of Uncertain Significance.

Blueprint Genetics
Classification: Uncertain significance. Last evaluated: 2021-08-17. Review status: criteria provided, single submitter. Criteria: ACMG Guidelines, 2015. Collection method: clinical testing. Allele origin: germline.

NM_001844.5(COL2A1):c.4415G>A (p.Gly1472Glu)

Gene: COL2A1 (collagen type II alpha 1 chain; minus strand). Cytogenetic location: 12q13.11.
Variant type: single nucleotide variant.
Coding change: c.4415G>A on transcript NM_001844.5 (MANE Select); coding-DNA position 4415, G replaced by A.
Protein change: p.Gly1472Glu; replaces glycine 1472 with glutamic acid.
Molecular consequence: missense variant.
Genome position (GRCh38, 1-based): chr12:47,973,456, C>T on the plus strand (G>A on the coding strand, the complement: COL2A1 is on the minus strand). VCF-style: chr12-47973456-C-T. GRCh37 (hg19) VCF-style: chr12-48367239-C-T.
Other names: c.4208G>A, p.Gly1403Glu (NM_033150.3); short protein forms G1472E, G1403E.
Identifiers: ClinVar variation 1485084 (VCV001485084.9), dbSNP rs773418634, ClinGen allele CA236515536.
Genomic context (GRCh38, chr12:47,973,456, plus strand): 5'-GGTTCAGGTTTTTACAAGAAGCAGACCGGCCCTATGTCCACACCGAATTCCTGCTCGGGC[C>T]CTCCTATGTCCATGGGTGCAATGTCAATGATGGGGAGGCGTGAGGTCTTCTGTGACCGGT-3'
Protein context (NP_001835.3, residues 1462-1482): IIDIAPMDIG[Gly1472Glu]PEQEFGVDIG